The following is an entry in ClinVar:

NM_003331.5(TYK2):c.516C>T (p.Thr172=)

Gene: TYK2 (tyrosine kinase 2; minus strand). Cytogenetic location: 19p13.2.
Variant type: single nucleotide variant.
Coding change: c.516C>T on transcript NM_003331.5 (MANE Select); coding-DNA position 516, C replaced by T.
Protein change: p.Thr172=; no amino-acid change (threonine 172 retained).
Molecular consequence: synonymous variant.
Genome position (GRCh38, 1-based): chr19:10,366,530, G>A on the plus strand (C>T on the coding strand, the complement: TYK2 is on the minus strand). VCF-style: chr19-10366530-G-A. GRCh37 (hg19) VCF-style: chr19-10477206-G-A.
Other names: p.T172T:ACC>ACT; p.Thr172=; c.516C>T (LRG_121t1).
Identifiers: ClinVar variation 137863 (VCV000137863.15), dbSNP rs280523, ClinGen allele CA291544.

ClinVar aggregate classification (germline): Benign. Review status: criteria provided, multiple submitters, no conflicts (2 of 4 stars). 5 submissions from 5 submitters: Benign (5). Last evaluated 2026-02-04.

Conditions:
Immunodeficiency 35 (IMD35). Also called: Susceptibility to infection due to TYK2 deficiency; TYK2 DEFICIENCY; HIES WITH ATYPICAL MYCOBACTERIOSIS, AUTOSOMAL RECESSIVE; HYPER-IgE SYNDROME WITH ATYPICAL MYCOBACTERIOSIS, AUTOSOMAL RECESSIVE. Identifiers: Orphanet 331226, MedGen C1969086, MONDO:0012682, OMIM 611521.

Allele frequency attached by ClinVar (database versions not stated): gnomAD 0.10217 and 0.09872; ESP Exome Variant Server 0.10318; 1000 Genomes Project 0.08327; 1000 Genomes Project 30x 0.08604; TOPMed 0.09822.
gnomAD v4.1: 123,057 of 1,613,758 alleles (7.6%); highest among the groups gnomAD compares: African/African-American, 18%; 5,295 homozygotes.

Submissions (5):

Labcorp Genetics (formerly Invitae), Labcorp
Classification: Benign for Immunodeficiency 35. Last evaluated: 2026-02-04. Review status: criteria provided, single submitter. Criteria: Invitae Variant Classification Sherloc (09022015). Collection method: clinical testing. Allele origin: germline.

Mayo Clinic Laboratories, Mayo Clinic
Classification: Benign. Last evaluated: 2022-09-06. Review status: criteria provided, single submitter. Criteria: ACMG Guidelines, 2015. Collection method: clinical testing. Allele origin: germline. Observed: 13 variant alleles.

Illumina Laboratory Services, Illumina
Classification: Benign for Immunodeficiency 35. Last evaluated: 2018-01-13. Review status: criteria provided, single submitter. Criteria: ICSL Variant Classification Criteria 13 December 2019. Collection method: clinical testing. Allele origin: germline.
Comment: This variant was observed in the ICSL laboratory as part of a predisposition screen in an ostensibly healthy population. It had not been previously curated by ICSL or reported in the Human Gene Mutation Database (HGMD: prior to June 1st, 2018), and was therefore a candidate for classification through an automated scoring system. Utilizing variant allele frequency, disease prevalence and penetrance estimates, and inheritance mode, an automated score was calculated to assess if this variant is too frequent to cause the disease. Based on the score and internal cut-off values, a variant classified as benign is not then subjected to further curation. The score for this variant resulted in a classification of benign for this disease.

GeneDx
Classification: Benign. Last evaluated: 2013-09-27. Review status: criteria provided, single submitter. Criteria: GeneDx Variant Classification (06012015). Collection method: clinical testing. Allele origin: germline. Affected: yes.
Comment: This variant is considered likely benign or benign based on one or more of the following criteria: it is a conservative change, it occurs at a poorly conserved position in the protein, it is predicted to be benign by multiple in silico algorithms, and/or has population frequency not consistent with disease.

Breakthrough Genomics
Classification: Benign. Review status: criteria provided, single submitter. Criteria: ACMG Guidelines, 2015. Collection method: not provided. Allele origin: germline. Inheritance: Autosomal recessive inheritance. Affected: yes.